The following is an entry in ClinVar:

NM_000823.4(GHRHR):c.992C>A (p.Thr331Lys)

Gene: GHRHR (growth hormone releasing hormone receptor; plus strand). Cytogenetic location: 7p14.3.
Variant type: single nucleotide variant.
Coding change: c.992C>A on transcript NM_000823.4 (MANE Select); coding-DNA position 992, C replaced by A.
Protein change: p.Thr331Lys; replaces threonine 331 with lysine.
Molecular consequence: missense variant.
Genome position (GRCh38, 1-based): chr7:30,976,446, C>A. VCF-style: chr7-30976446-C-A. GRCh37 (hg19) VCF-style: chr7-31016061-C-A.
Other names: short protein forms T331K.
Identifiers: ClinVar variation 5020345 (VCV005020345.1).

ClinVar aggregate classification (germline): Uncertain significance (1 of 4 stars; one submission).

gnomAD v4.1: 3 of 1,613,564 alleles (0.00019%); highest among the groups gnomAD compares: Admixed American, 0.0033%; no homozygotes.

Submission:

Dasa
Classification: Uncertain significance. Last evaluated: 2026-08-10. Review status: criteria provided, single submitter. Criteria: DASA Assertion Criteria. Collection method: clinical testing. Allele origin: germline.
Comment: NM_000823.4(GHRHR):c.992C>A (p.Thr331Lys) is a missense variant that results in the substitution of threonine with lysine. This variant has been observed in affected individuals with GHRHR-related disorders. Also, this variant is rare in population databases. The currently available literature and clinical evidence are not sufficient to establish a definitive association between this variant and the reported condition. Therefore, this variant is classified as a variant of uncertain significance.